The following is an entry in ClinVar:

NM_001849.4(COL6A2):c.2473G>A (p.Ala825Thr)

Gene: COL6A2 (collagen type VI alpha 2 chain; plus strand). Cytogenetic location: 21q22.3.
Variant type: single nucleotide variant.
Coding change: c.2473G>A on transcript NM_001849.4 (MANE Select); coding-DNA position 2473, G replaced by A.
Protein change: p.Ala825Thr; replaces alanine 825 with threonine.
Molecular consequence: missense variant.
Genome position (GRCh38, 1-based): chr21:46,131,965, G>A. VCF-style: chr21-46131965-G-A. GRCh37 (hg19) VCF-style: chr21-47551879-G-A.
Other names: short protein forms A825T.
Identifiers: ClinVar variation 1483201 (VCV001483201.6), dbSNP rs778134390, ClinGen allele CA10072900.
Genomic context (GRCh38, chr21:46,131,965, plus strand): 5'-GTCCTGCCCACCTCCCCTCCGCCCAGCCCGCACCTGCGTCTCCCCACAGAGCTGTCCGTG[G>A]CACAGTGCACGCAGCGGCCCGTGGACATCGTCTTCCTGCTGGACGGCTCCGAGCGGCTGG-3'
Protein context (NP_001840.3, residues 815-835): DLPCQTELSV[Ala825Thr]QCTQRPVDIV

ClinVar aggregate classification (germline): Uncertain significance (1 of 4 stars; one submission).

Conditions:
Bethlem myopathy 1A. Also called: Bethlem myopathy 1; Bethlem Muscular Dystrophy; MYOPATHY, BENIGN CONGENITAL, WITH CONTRACTURES. Identifiers: Orphanet 610, MedGen CN029274, MONDO:0024530, OMIM 158810.

Allele frequency attached by ClinVar (database versions not stated): gnomAD exomes 0.00001; ExAC 0.00002.
gnomAD v4.1: 14 of 1,604,152 alleles (0.00087%); highest among the groups gnomAD compares: Middle Eastern, 0.017%; no homozygotes.

Submission:

Labcorp Genetics (formerly Invitae), Labcorp
Classification: Uncertain significance for Bethlem myopathy 1A. Last evaluated: 2024-05-20. Review status: criteria provided, single submitter. Criteria: Invitae Variant Classification Sherloc (09022015). Collection method: clinical testing. Allele origin: germline.
Comment: This sequence change replaces alanine, which is neutral and non-polar, with threonine, which is neutral and polar, at codon 825 of the COL6A2 protein (p.Ala825Thr). The frequency data for this variant in the population databases is considered unreliable, as metrics indicate poor data quality at this position in the gnomAD database. This missense change has been observed in individual(s) with clinical features of COL6A2-related conditions (Invitae). ClinVar contains an entry for this variant (Variation ID: 1483201). Advanced modeling of protein sequence and biophysical properties (such as structural, functional, and spatial information, amino acid conservation, physicochemical variation, residue mobility, and thermodynamic stability) performed at Invitae indicates that this missense variant is not expected to disrupt COL6A2 protein function with a negative predictive value of 80%. In summary, the available evidence is currently insufficient to determine the role of this variant in disease. Therefore, it has been classified as a Variant of Uncertain Significance.